The following is an entry in ClinVar:

ClinVar aggregate classification (germline): Likely benign (1 of 4 stars; one submission).

Submission:

CeGaT Center for Human Genetics Tuebingen
Classification: Likely benign. Last evaluated: 2023-07-01. Review status: criteria provided, single submitter. Criteria: CeGaT Center For Human Genetics Tuebingen Variant Classification Criteria Version 2. Collection method: clinical testing. Allele origin: germline. Affected: yes. Observed: 1 variant allele.
Comment: MUC2: BP4, BP7

NM_002457.5(MUC2):c.11772C>G (p.Thr3924=)

Gene: MUC2 (mucin 2, oligomeric mucus/gel-forming; plus strand). Cytogenetic location: 11p15.5.
Variant type: single nucleotide variant.
Coding change: c.11772C>G on transcript NM_002457.5 (MANE Select); coding-DNA position 11772, C replaced by G.
Protein change: p.Thr3924=; no amino-acid change (threonine 3924 retained).
Molecular consequence: synonymous variant.
Genome position (GRCh38, 1-based): chr11:1,099,106, C>G. VCF-style: chr11-1099106-C-G. GRCh37 (hg19) VCF-style: chr11-1093014-C-G.
Identifiers: ClinVar variation 2641136 (VCV002641136.24), dbSNP rs1489919958, ClinGen allele CA472380699.